The following is an entry in ClinVar:

ClinVar aggregate classification (germline): Uncertain significance (1 of 4 stars; one submission).

Conditions:
NCOA1-related disorder. Also called: NCOA1-related condition.

gnomAD v4.1: 15 of 1,614,064 alleles (0.00093%); highest among the groups gnomAD compares: East Asian, 0.0022%; no homozygotes.

Submission:

PreventionGenetics, part of Exact Sciences
Classification: Uncertain significance for NCOA1-related condition. Last evaluated: 2024-12-12. Review status: criteria provided, single submitter. Criteria: ACMG Guidelines, 2015. Collection method: clinical testing. Allele origin: germline.
Comment: The NCOA1 c.1355A>G variant is predicted to result in the amino acid substitution p.Asn452Ser. To our knowledge, this variant has not been reported in the literature. This variant is reported in 0.0065% of alleles in individuals of European (Non-Finnish) descent in gnomAD. At this time, the clinical significance of this variant is uncertain due to the absence of conclusive functional and genetic evidence.

NM_003743.5(NCOA1):c.1355A>G (p.Asn452Ser)

Gene: NCOA1 (nuclear receptor coactivator 1; plus strand). Cytogenetic location: 2p23.3.
Variant type: single nucleotide variant.
Coding change: c.1355A>G on transcript NM_003743.5 (MANE Select); coding-DNA position 1355, A replaced by G.
Protein change: p.Asn452Ser; replaces asparagine 452 with serine.
Molecular consequence: missense variant.
Genome position (GRCh38, 1-based): chr2:24,706,825, A>G. VCF-style: chr2-24706825-A-G. GRCh37 (hg19) VCF-style: chr2-24929694-A-G.
Other names: c.1355A>G, p.Asn452Ser (NM_001362950.1, NM_001362952.1, NM_001362954.1 and 3 more transcripts); short protein forms N452S.
Identifiers: ClinVar variation 4978777 (VCV004978777.1).